The following is an entry in ClinVar:

ClinVar aggregate classification (germline): Conflicting classifications of pathogenicity. Review status: criteria provided, conflicting classifications (1 of 4 stars). 3 submissions from 2 submitters: Uncertain significance (2); Benign (1). Last evaluated 2018-01-13.

Conditions:
Autosomal dominant nonsyndromic hearing loss 6 (LFSNHL). Also called: DEAFNESS, AUTOSOMAL DOMINANT 6; DEAFNESS, AUTOSOMAL DOMINANT 14; DEAFNESS, AUTOSOMAL DOMINANT 38; Autosomal dominant nonsyndromic deafness 6; DIDMOAD (Diabetes Insipidus, Diabetes Mellitus, Optic Atrophy, and Deafness). Identifiers: Orphanet 90635, MedGen C1833021, MONDO:0010963, OMIM 600965.
WFS1-Related Spectrum Disorders.
Wolfram syndrome 1 (WFS1). Identifiers: Orphanet 3463, MedGen C4551693, MONDO:0009101, OMIM 222300.

Allele frequency attached by ClinVar (database versions not stated): gnomAD 0.00011; TOPMed 0.00012.
gnomAD v4.1: 16 of 151,862 alleles (0.011%); highest among the groups gnomAD compares: Non-Finnish European, 0.0029%; no homozygotes.

Submissions (3):

Illumina Laboratory Services, Illumina
Classification: Uncertain significance for Autosomal dominant nonsyndromic hearing loss 6. Last evaluated: 2018-01-13. Review status: criteria provided, single submitter. Criteria: ICSL Variant Classification Criteria 13 December 2019. Collection method: clinical testing. Allele origin: germline.

Illumina Laboratory Services, Illumina
Classification: Uncertain significance for WFS1-Related Spectrum Disorders. Last evaluated: 2018-01-13. Review status: criteria provided, single submitter. Criteria: ICSL Variant Classification Criteria 13 December 2019. Collection method: clinical testing. Allele origin: germline.

Clinical Genomics, Uppaluri K&H Personalized Medicine Clinic
Classification: Benign for Wolfram syndrome 1. Review status: criteria provided, single submitter. Criteria: K & H Uppaluri Personalized Medicine Clinic Variant Classification & Assertion Criteria_Updated V.1. Collection method: research. Allele origin: unknown. Inheritance: Autosomal recessive inheritance.
Comment: Potent mutations in WFS1 gene are associated with Wolfram's syndrome, an autosomal recessive condition, which cause diabetes mellitus, diabetes insipidus, deafness and optic atrophy.However no sufficient evidence is found to ascertain the role of this particular variant rs886059523 yet.

Literature cited by the submitters: PubMed 20738327 (cited by Clinical Genomics, Uppaluri K&H Personalized Medicine Clinic); PubMed 33879153 (cited by Clinical Genomics, Uppaluri K&H Personalized Medicine Clinic); PubMed 12955714 (cited by Clinical Genomics, Uppaluri K&H Personalized Medicine Clinic); PubMed 18060660 (cited by Clinical Genomics, Uppaluri K&H Personalized Medicine Clinic); PubMed 20301750 (cited by Clinical Genomics, Uppaluri K&H Personalized Medicine Clinic); PubMed 17603484 (cited by Clinical Genomics, Uppaluri K&H Personalized Medicine Clinic).

NM_006005.3(WFS1):c.-105T>G

Genes: WFS1 (wolframin ER transmembrane glycoprotein; plus strand), LOC129992166 (ATAC-STARR-seq lymphoblastoid silent region 15229; plus strand). Cytogenetic location: 4p16.1.
Variant type: single nucleotide variant.
Coding change: c.-105T>G on transcript NM_006005.3 (MANE Select); 105 bases upstream of the start codon, T replaced by G.
Molecular consequence: 5 prime UTR variant.
Genome position (GRCh38, 1-based): chr4:6,269,915, T>G. VCF-style: chr4-6269915-T-G. GRCh37 (hg19) VCF-style: chr4-6271642-T-G.
Other names: c.-101T>G (NM_001145853.1).
Identifiers: ClinVar variation 349299 (VCV000349299.6), dbSNP rs886059523, ClinGen allele CA10621428.